The following is an entry in ClinVar:

NM_005245.4(FAT1):c.377dup (p.Asn126fs)

Gene: FAT1 (FAT atypical cadherin 1; minus strand). Cytogenetic location: 4q35.2.
Variant type: Duplication.
Coding change: c.377dup on transcript NM_005245.4 (MANE Select); coding-DNA position 377, one base duplicated (A; older notation c.377dupA).
Protein change: p.Asn126fs; shifts the reading frame from asparagine 126.
Molecular consequence: frameshift variant.
Genome position (GRCh38, 1-based): chr4:186,709,451, T duplicated on the plus strand (A on the coding strand, the reverse complement: FAT1 is on the minus strand); the first of 7 consecutive T bases (chr4:186,709,451-186,709,457); duplicating any one gives the same sequence. VCF-style (leftmost placement, unchanged base first): chr4-186709450-A-AT. GRCh37 (hg19) VCF-style: chr4-187630604-A-AT.
Other names: short protein forms N126fs.
Identifiers: ClinVar variation 2849893 (VCV002849893.3), dbSNP rs1744838539, ClinGen allele CA2672932524.

ClinVar aggregate classification (germline): Pathogenic (1 of 4 stars; one submission).

Submission:

Labcorp Genetics (formerly Invitae), Labcorp
Classification: Pathogenic. Last evaluated: 2024-12-03. Review status: criteria provided, single submitter. Criteria: Invitae Variant Classification Sherloc (09022015). Collection method: clinical testing. Allele origin: germline.
Comment: This sequence change creates a premature translational stop signal (p.Asn126Lysfs*3) in the FAT1 gene. It is expected to result in an absent or disrupted protein product. Loss-of-function variants in FAT1 are known to be pathogenic (PMID: 30862798). This variant is not present in population databases (gnomAD no frequency). This variant has not been reported in the literature in individuals affected with FAT1-related conditions. ClinVar contains an entry for this variant (Variation ID: 2849893). For these reasons, this variant has been classified as Pathogenic.

Literature cited by the submitters: PubMed 30862798.